The following is an entry in ClinVar:

ClinVar aggregate classification (germline): Likely pathogenic. Review status: reviewed by expert panel (3 of 4 stars). 4 submissions from 4 submitters: Likely pathogenic (1). 3 of the submissions do not count toward it. Last evaluated 2025-04-21.

Conditions:
Mucopolysaccharidosis type 1. Also called: Mucopolysaccharidosis Type I; IDUA deficiency; MPS I. Identifiers: Orphanet 579, MedGen C0023786, MONDO:0001586.
Hurler syndrome. Also called: Gargoylism, Hurler Syndrome; MUCOPOLYSACCHARIDOSIS TYPE IH; Severe MPS I (Hurler Syndrome). Identifiers: Orphanet 93473, MedGen C0086795, MONDO:0011758, OMIM 607014.

Allele frequency attached by ClinVar (database versions not stated): gnomAD exomes below 0.00001.
gnomAD v4.1: 3 of 1,360,382 alleles (0.00022%); highest among the groups gnomAD compares: Non-Finnish European, 0.00028%; no homozygotes.

Submissions (4):

ClinGen Lysosomal Storage Disorder Variant Curation Expert Panel
Classification: Likely pathogenic for Mucopolysaccharidosis type 1. Last evaluated: 2025-04-21. Review status: reviewed by expert panel. Criteria: ClinGen LSD ACMG Specifications IDUA V1.0.0. Collection method: curation. Allele origin: germline. Inheritance: Autosomal recessive inheritance.
Comment: The NM_000203.5:c.1402+2T>G variant alters the canonical donor splice site dinucleotide of intron 9 of IDUA. This variant is predicted to result in skipping of biologically-relevant-exon 9 (IDUA has 14 exons), resulting in an in-frame deletion of amino acids 397-467 which represents >10% of the protein (PVS1_Strong). Two patients with this variant had documented IDUA deficiency within the affected range in leukocytes (0.2-3.4 versus normal range 27.2–52 nmol/h/mg protein), and clinical features specific to MPS I including macrocephaly, arthropathy, hepatomegaly, and airway disease. These patients also had documented increased urinary excretion of HS and DS. Thus three areas are met, giving the evidence to meet PP4 at the moderate level (PP4_Moderate). One patient is compound heterozygous for the variant and another variant in IDUA that has been classified as pathogenic or likely pathogenic by the ClinGen LD VCEP, c.1037T>G (p.Leu346Arg) (ClinVar Variation ID: 11927). The variants were confirmed to be in trans by parental testing (PMID: 21480867) (1 point). This variant has not yet been classified by the ClinGen LD VCEP. The allelic data from the second patient will be used in the classification of p.His33Pro and is not included here to avoid circular logic. Total points for PM3 = 1 point (PM3). The highest population minor allele frequency in gnomAD v4.1.0 is 0.000002819 (3/1064228 alleles) in the European non-Finnish population, which is lower than the ClinGen Lysosomal Diseases VCEP’s threshold for PM2_Supporting (<0.00025), meeting this criterion (PM2_Supporting). Two additional variants at this canonical splice donor site c.1402+1G>A and c.1402+1G>T) have been classified as likely pathogenic by the ClinGen LD VCEP. However PS1 does not apply (Table 2, PMID: 37352859). There is a ClinVar entry for this variant (ClinVar Variation ID: 553131). In summary, this variant meets the criteria to be classified as likely pathogenic for mucopolysaccharidosis type I. IDUA-specific ACMG/AMP criteria applied, as specified by the ClinGen LD VCEP (Specifications Version 1.0.0.): PVS1_Strong, PM3, PM2_Supporting (Classification approved by the ClinGen Lysosomal Diseases Variant Curation Expert Panel on April 21, 2025)

Natera, Inc.
Classification: Pathogenic for Mucopolysaccharidosis type I. Last evaluated: 2024-11-21. Review status: criteria provided, single submitter. Criteria: Natera Variant Classification Schema (03/2026). Collection method: clinical testing. Allele origin: germline. Not counted in ClinVar's aggregate classification.
Comment: The c.1402+2T>G variant in IDUA is a canonical splice donor site variant predicted to affect pre-mRNA splicing, which may result in an abnormal transcript and altered protein product. This variant is expected to result in nonsense mediated decay, truncation, or a dysfunctional protein product. This variant is rare in the general population with a frequency below the threshold expected for the associated phenotype(s). This variant has been observed in one or more individuals affected with the associated recessive disease, as either homozygous or compound heterozygous with a second variant (PMID: 21480867). Another variant at this same site results in an alteration predicted to cause a similar molecular effect has been observed in individual(s) with the associated phenotype. Given the available evidence, this variant is classified as Pathogenic.

Labcorp Genetics (formerly Invitae), Labcorp
Classification: Pathogenic for Mucopolysaccharidosis type 1. Last evaluated: 2023-08-20. Review status: criteria provided, single submitter. Criteria: Invitae Variant Classification Sherloc (09022015). Collection method: clinical testing. Allele origin: germline. Not counted in ClinVar's aggregate classification.
Comment: ClinVar contains an entry for this variant (Variation ID: 553131). For these reasons, this variant has been classified as Pathogenic. Algorithms developed to predict the effect of sequence changes on RNA splicing suggest that this variant may disrupt the consensus splice site. Disruption of this splice site has been observed in individual(s) with mucopolysaccharidosis type I (PMID: 21480867). This variant is not present in population databases (gnomAD no frequency). This sequence change affects a donor splice site in intron 9 of the IDUA gene. It is expected to disrupt RNA splicing. Variants that disrupt the donor or acceptor splice site typically lead to a loss of protein function (PMID: 16199547), and loss-of-function variants in IDUA are known to be pathogenic (PMID: 11735025, 21480867).

Counsyl
Classification: Pathogenic for Hurler syndrome. Last evaluated: 2017-07-28. Review status: no assertion criteria provided. Collection method: clinical testing. Allele origin: unknown. Not counted in ClinVar's aggregate classification.

Literature cited by the submitters: PubMed 21480867 (cited by 3 submitters); PubMed 16199547 (cited by Labcorp Genetics (formerly Invitae), Labcorp); PubMed 11735025 (cited by Labcorp Genetics (formerly Invitae), Labcorp); PubMed 25525159 (cited by Counsyl).

NM_000203.5(IDUA):c.1402+2T>G

Gene: IDUA (alpha-L-iduronidase; plus strand). Cytogenetic location: 4p16.3.
Variant type: single nucleotide variant.
Coding change: c.1402+2T>G on transcript NM_000203.5 (MANE Select); the canonical splice donor site of the intron after coding-DNA position 1402, T replaced by G.
Molecular consequence: splice donor variant.
Genome position (GRCh38, 1-based): chr4:1,002,946, T>G. VCF-style: chr4-1002946-T-G. GRCh37 (hg19) VCF-style: chr4-996734-T-G.
Other names: c.1006+2T>G (NM_001363576.1).
Identifiers: ClinVar variation 553131 (VCV000553131.12), dbSNP rs1553917428, ClinGen allele CA355964392.
Genomic context (GRCh38, chr4:1,002,946, plus strand): 5'-CCACCCCAACCGCAGCGTCGCGGTGACCCTGCGGCTGCGCGGGGTGCCCCCCGGCCCGGG[T>G]AAGCCGGGGTTCCAGGGAGGTCTCTGGCCCCGCTGGGGCTCTGGAGGGGGCGGCCCGGGG-3'